The following is an entry in ClinVar:

ClinVar aggregate classification (germline): Uncertain significance (1 of 4 stars; one submission).

Allele frequency attached by ClinVar (database versions not stated): gnomAD 0.00001; TOPMed 0.00001; ExAC 0.00003.
gnomAD v4.1: 10 of 1,581,014 alleles (0.00063%); highest among the groups gnomAD compares: East Asian, 0.0023%; no homozygotes.

Submission:

Labcorp Genetics (formerly Invitae), Labcorp
Classification: Uncertain significance. Last evaluated: 2022-03-12. Review status: criteria provided, single submitter. Criteria: Invitae Variant Classification Sherloc (09022015). Collection method: clinical testing. Allele origin: germline.
Comment: This sequence change replaces alanine, which is neutral and non-polar, with threonine, which is neutral and polar, at codon 1015 of the ARHGEF18 protein (p.Ala1015Thr). The frequency data for this variant in the population databases is considered unreliable, as metrics indicate poor data quality at this position in the gnomAD database. This variant has not been reported in the literature in individuals affected with ARHGEF18-related conditions. Algorithms developed to predict the effect of missense changes on protein structure and function output the following: SIFT: "Tolerated"; PolyPhen-2: "Benign"; Align-GVGD: "Class C0". The threonine amino acid residue is found in multiple mammalian species, which suggests that this missense change does not adversely affect protein function. In summary, the available evidence is currently insufficient to determine the role of this variant in disease. Therefore, it has been classified as a Variant of Uncertain Significance.

NM_001367823.1(ARHGEF18):c.3607G>A (p.Ala1203Thr)

Gene: ARHGEF18 (Rho/Rac guanine nucleotide exchange factor 18; plus strand). Cytogenetic location: 19p13.2.
Variant type: single nucleotide variant.
Coding change: c.3607G>A on transcript NM_001367823.1 (MANE Select); coding-DNA position 3607, G replaced by A.
Protein change: p.Ala1203Thr; replaces alanine 1203 with threonine.
Molecular consequence: missense variant.
Genome position (GRCh38, 1-based): chr19:7,468,951, G>A. VCF-style: chr19-7468951-G-A. GRCh37 (hg19) VCF-style: chr19-7533837-G-A.
Other names: c.2881G>A, p.Ala961Thr (NM_001130955.2); c.2569G>A, p.Ala857Thr (NM_001367824.1, NM_015318.4); short protein forms A1203T, A961T, A857T.
Identifiers: ClinVar variation 1960138 (VCV001960138.2), dbSNP rs1383141373, ClinGen allele CA9137188.